The following is an entry in ClinVar:

NM_001854.4(COL11A1):c.4283A>G (p.Asp1428Gly)

Gene: COL11A1 (collagen type XI alpha 1 chain; minus strand). Cytogenetic location: 1p21.1.
Variant type: single nucleotide variant.
Coding change: c.4283A>G on transcript NM_001854.4 (MANE Select); coding-DNA position 4283, A replaced by G.
Protein change: p.Asp1428Gly; replaces aspartic acid 1428 with glycine.
Molecular consequence: missense variant. On other transcripts: non-coding transcript variant (1).
Genome position (GRCh38, 1-based): chr1:102,898,144, T>C on the plus strand (A>G on the coding strand, the complement: COL11A1 is on the minus strand). VCF-style: chr1-102898144-T-C. GRCh37 (hg19) VCF-style: chr1-103363700-T-C.
Other names: c.4166A>G, p.Asp1389Gly (NM_001190709.2); c.4319A>G, p.Asp1440Gly (NM_080629.3); c.3935A>G, p.Asp1312Gly (NM_080630.4); short protein forms D1312G, D1389G, D1428G, D1440G.
Identifiers: ClinVar variation 4707329 (VCV004707329.1).

ClinVar aggregate classification (germline): Uncertain significance (1 of 4 stars; one submission).

gnomAD v4.1: 4 of 1,537,584 alleles (0.00026%); highest among the groups gnomAD compares: Non-Finnish European, 0.00035%; no homozygotes.

Submission:

Labcorp Genetics (formerly Invitae), Labcorp
Classification: Uncertain significance. Last evaluated: 2025-07-15. Review status: criteria provided, single submitter. Criteria: Invitae Variant Classification Sherloc (09022015). Collection method: clinical testing. Allele origin: germline.
Comment: This sequence change replaces aspartic acid, which is acidic and polar, with glycine, which is neutral and non-polar, at codon 1428 of the COL11A1 protein (p.Asp1428Gly). The frequency data for this variant in the population databases is considered unreliable, as metrics indicate poor data quality at this position in the gnomAD database. This variant has not been reported in the literature in individuals affected with COL11A1-related conditions. Invitae Evidence Modeling of protein sequence and biophysical properties (such as structural, functional, and spatial information, amino acid conservation, physicochemical variation, residue mobility, and thermodynamic stability) indicates that this missense variant is not expected to disrupt COL11A1 protein function with a negative predictive value of 80%. In summary, the available evidence is currently insufficient to determine the role of this variant in disease. Therefore, it has been classified as a Variant of Uncertain Significance.